The following is an entry in ClinVar:

ClinVar aggregate classification (germline): Likely pathogenic (1 of 4 stars; one submission).

Conditions:
DCDC2-related disorder. Also called: DCDC2-related condition.

Allele frequency attached by ClinVar (database versions not stated): gnomAD 0.00001; TOPMed 0.00001.

Submission:

PreventionGenetics, part of Exact Sciences
Classification: Likely pathogenic for DCDC2-related condition. Last evaluated: 2023-06-14. Review status: criteria provided, single submitter. Criteria: ACMG Guidelines, 2015. Collection method: clinical testing. Allele origin: germline.
Comment: The DCDC2 c.1155delT variant is predicted to result in a frameshift and premature protein termination (p.Glu386Serfs*19). To our knowledge, this variant has not been reported in the literature or in a large population database, indicating this variant is rare. Frameshift variants in DCDC2 are expected to be pathogenic. Although this early termination change is in the penultimate exon, a deletion of this exon has also been reported in an affected individual (Cheema et al. 2020. PubMed ID: 33083013). This variant is interpreted as likely pathogenic.

NM_016356.5(DCDC2):c.1155del (p.Glu386fs)

Gene: DCDC2 (doublecortin domain containing 2; minus strand). Cytogenetic location: 6p22.3.
Variant type: Deletion.
Coding change: c.1155del on transcript NM_016356.5 (MANE Select); coding-DNA position 1155, one base deleted (T; older notation c.1155delT).
Protein change: p.Glu386fs; shifts the reading frame from glutamic acid 386.
Molecular consequence: frameshift variant.
Genome position (GRCh38, 1-based): chr6:24,178,501, A deleted on the plus strand (T on the coding strand, the reverse complement: DCDC2 is on the minus strand). VCF-style (leftmost placement, unchanged base first): chr6-24178500-CA-C. GRCh37 (hg19) VCF-style: chr6-24178728-CA-C.
Other names: c.1155del, p.Glu386fs (NM_001195610.2); short protein forms E386fs.
Identifiers: ClinVar variation 2629455 (VCV002629455.1), dbSNP rs962387857, ClinGen allele CA136622214.